The following is an entry in ClinVar:

NM_002546.4(TNFRSF11B):c.609G>C (p.Glu203Asp)

Gene: TNFRSF11B (TNF receptor superfamily member 11b; minus strand). Cytogenetic location: 8q24.12.
Variant type: single nucleotide variant.
Coding change: c.609G>C on transcript NM_002546.4 (MANE Select); coding-DNA position 609, G replaced by C.
Protein change: p.Glu203Asp; replaces glutamic acid 203 with aspartic acid.
Molecular consequence: missense variant.
Genome position (GRCh38, 1-based): chr8:118,926,702, C>G on the plus strand (G>C on the coding strand, the complement: TNFRSF11B is on the minus strand). VCF-style: chr8-118926702-C-G. GRCh37 (hg19) VCF-style: chr8-119938941-C-G.
Other names: short protein forms E203D.
Identifiers: ClinVar variation 3692524 (VCV003692524.2).

ClinVar aggregate classification (germline): Uncertain significance (1 of 4 stars; one submission).

Submission:

Labcorp Genetics (formerly Invitae), Labcorp
Classification: Uncertain significance. Last evaluated: 2025-01-27. Review status: criteria provided, single submitter. Criteria: Invitae Variant Classification Sherloc (09022015). Collection method: clinical testing. Allele origin: germline.
Comment: This sequence change replaces glutamic acid, which is acidic and polar, with aspartic acid, which is acidic and polar, at codon 203 of the TNFRSF11B protein (p.Glu203Asp). This variant is not present in population databases (gnomAD no frequency). This variant has not been reported in the literature in individuals affected with TNFRSF11B-related conditions. Invitae Evidence Modeling of protein sequence and biophysical properties (such as structural, functional, and spatial information, amino acid conservation, physicochemical variation, residue mobility, and thermodynamic stability) indicates that this missense variant is expected to disrupt TNFRSF11B protein function with a positive predictive value of 80%. In summary, the available evidence is currently insufficient to determine the role of this variant in disease. Therefore, it has been classified as a Variant of Uncertain Significance.